The following is an entry in ClinVar:

NM_004006.3(DMD):c.531-16T>A

Gene: DMD (dystrophin; minus strand). Cytogenetic location: Xp21.1.
Variant type: single nucleotide variant.
Coding change: c.531-16T>A on transcript NM_004006.3 (MANE Select); 16 bases into the intron before coding-DNA position 531, T replaced by A.
Molecular consequence: intron variant.
Genome position (GRCh38, 1-based): chrX:32,809,627, A>T on the plus strand (T>A on the coding strand, the complement: DMD is on the minus strand). VCF-style: chrX-32809627-A-T. GRCh37 (hg19) VCF-style: chrX-32827744-A-T.
Other names: c.507-16T>A (NM_000109.4); c.519-16T>A (NM_004009.3); c.162-16T>A (NM_004010.3).
Identifiers: ClinVar variation 2138516 (VCV002138516.4), dbSNP rs2524190082, ClinGen allele CA2580100753.

ClinVar aggregate classification (germline): Uncertain significance (1 of 4 stars; one submission).

Conditions:
Duchenne muscular dystrophy (DMD). Also called: MUSCULAR DYSTROPHY, PSEUDOHYPERTROPHIC PROGRESSIVE, DUCHENNE TYPE; Duchenne Muscular Dystrophy (DMD). Identifiers: Orphanet 98896, MedGen C0013264, MONDO:0010679, OMIM 310200.

Submission:

Labcorp Genetics (formerly Invitae), Labcorp
Classification: Uncertain significance for Duchenne muscular dystrophy. Last evaluated: 2022-08-13. Review status: criteria provided, single submitter. Criteria: Invitae Variant Classification Sherloc (09022015). Collection method: clinical testing. Allele origin: germline.
Comment: In summary, the available evidence is currently insufficient to determine the role of this variant in disease. Therefore, it has been classified as a Variant of Uncertain Significance. Studies have shown that this variant results in altered splicing and introduces a premature termination codon (PMID: 14695533). The resulting mRNA is expected to undergo nonsense-mediated decay. This variant has been observed in individual(s) with Duchenne muscular dystrophy (PMID: 14695533). This variant is not present in population databases (gnomAD no frequency). This sequence change falls in intron 6 of the DMD gene. It does not directly change the encoded amino acid sequence of the DMD protein. RNA analysis indicates that this variant induces altered splicing and may result in an absent or disrupted protein product.

Literature cited by the submitters: PubMed 14695533.